The following is an entry in ClinVar:

ClinVar aggregate classification (germline): Pathogenic. Review status: criteria provided, multiple submitters, no conflicts (2 of 4 stars). 2 submissions from 2 submitters: Pathogenic (2). Last evaluated 2023-11-27.

Conditions:
Developmental and epileptic encephalopathy, 85, with or without midline brain defects. Also called: EPILEPTIC ENCEPHALOPATHY, EARLY INFANTILE, 85, WITH OR WITHOUT MIDLINE BRAIN DEFECTS. Identifiers: MedGen C5393312, MONDO:0026771, OMIM 301044.
Congenital muscular hypertrophy-cerebral syndrome (CDLS2). Also called: Cornelia de Lange syndrome 2; SMC1A-Related Cornelia de Lange Syndrome. Identifiers: Orphanet 199, MedGen C1802395, MONDO:0010370, OMIM 300590.

Submissions (2):

3billion
Classification: Pathogenic for Developmental and epileptic encephalopathy, 85, with or without midline brain defects. Last evaluated: 2023-11-27. Review status: criteria provided, single submitter. Criteria: ACMG Guidelines, 2015. Collection method: clinical testing. Allele origin: germline. Affected: yes.
Comment: The variant is not observed in the gnomAD v2.1.1 dataset. Predicted Consequence/Location: Stop-gained (nonsense): predicted to result in a loss or disruption of normal protein function through nonsense-mediated decay (NMD) or protein truncation. Multiple pathogenic variants are reported downstream of the variant. The variant has been reported to be associated with SMC1A related disorder (ClinVar ID: VCV000845949). Therefore, this variant is classified as Pathogenic according to the recommendation of ACMG/AMP guideline.

Labcorp Genetics (formerly Invitae), Labcorp
Classification: Pathogenic for Congenital muscular hypertrophy-cerebral syndrome. Last evaluated: 2020-11-21. Review status: criteria provided, single submitter. Criteria: Invitae Variant Classification Sherloc (09022015). Collection method: clinical testing. Allele origin: germline.
Comment: For these reasons, this variant has been classified as Pathogenic. Loss-of-function variants in SMC1A are known to be pathogenic (PMID: 26386245, 27334371, 28166369, 28548707). This variant has been observed in an individual affected with a neurodevelopmental disorder (PMID: 27171548, 30158690). This variant is not present in population databases (ExAC no frequency). This sequence change creates a premature translational stop signal (p.Gln721*) in the SMC1A gene. It is expected to result in an absent or disrupted protein product.

Literature cited by the submitters: PubMed 26386245 (cited by Labcorp Genetics (formerly Invitae), Labcorp); PubMed 27334371 (cited by Labcorp Genetics (formerly Invitae), Labcorp); PubMed 28166369 (cited by Labcorp Genetics (formerly Invitae), Labcorp); PubMed 28548707 (cited by Labcorp Genetics (formerly Invitae), Labcorp); PubMed 27171548 (cited by Labcorp Genetics (formerly Invitae), Labcorp); PubMed 30158690 (cited by Labcorp Genetics (formerly Invitae), Labcorp).

NM_006306.4(SMC1A):c.2161C>T (p.Gln721Ter)

Gene: SMC1A (structural maintenance of chromosomes 1A; minus strand). Cytogenetic location: Xp11.22.
Variant type: single nucleotide variant.
Coding change: c.2161C>T on transcript NM_006306.4 (MANE Select); coding-DNA position 2161, C replaced by T.
Protein change: p.Gln721Ter; replaces glutamine 721 with a stop codon.
Molecular consequence: nonsense.
Genome position (GRCh38, 1-based): chrX:53,405,047, G>A on the plus strand (C>T on the coding strand, the complement: SMC1A is on the minus strand). VCF-style: chrX-53405047-G-A. GRCh37 (hg19) VCF-style: chrX-53431979-G-A.
Other names: c.2095C>T, p.Gln699Ter (NM_001281463.1); short protein forms Q699*, Q721*.
Identifiers: ClinVar variation 845949 (VCV000845949.10), dbSNP rs2075685944, ClinGen allele CA413251665.